The following is an entry in ClinVar:

NM_006031.6(PCNT):c.2914G>A (p.Glu972Lys)

Gene: PCNT (pericentrin; plus strand). Cytogenetic location: 21q22.3.
Variant type: single nucleotide variant.
Coding change: c.2914G>A on transcript NM_006031.6 (MANE Select); coding-DNA position 2914, G replaced by A.
Protein change: p.Glu972Lys; replaces glutamic acid 972 with lysine.
Molecular consequence: missense variant.
Genome position (GRCh38, 1-based): chr21:46,366,888, G>A. VCF-style: chr21-46366888-G-A. GRCh37 (hg19) VCF-style: chr21-47786803-G-A.
Other names: c.2560G>A, p.Glu854Lys (NM_001315529.2); short protein forms E854K, E972K.
Identifiers: ClinVar variation 4992759 (VCV004992759.1).
Genomic context (GRCh38, chr21:46,366,888, plus strand): 5'-AAACACGCTGCCGACCTCGGCGCTCTGGAGACCAGACATCTGTCCAGCCTTGATTCTTTG[G>A]AATCCTGTTACCTCTCTGAATTTCAGACCATCCGTGAGGAGCACAGGCAGGCCCTAGAGC-3'
Protein context (NP_006022.3, residues 962-982): TRHLSSLDSL[Glu972Lys]SCYLSEFQTI

ClinVar aggregate classification (germline): Uncertain significance (1 of 4 stars; one submission).

Conditions:
PCNT-related disorder. Also called: PCNT-related condition.

Submission:

PreventionGenetics, part of Exact Sciences
Classification: Uncertain significance for PCNT-related condition. Last evaluated: 2026-05-06. Review status: criteria provided, single submitter. Criteria: ACMG Guidelines, 2015. Collection method: clinical testing. Allele origin: germline.
Comment: The PCNT c.2914G>A variant is predicted to result in the amino acid substitution p.Glu972Lys. To our knowledge, this variant has not been reported in the literature or in a large population database (gnomAD), indicating this variant is rare. At this time, the clinical significance of this variant is uncertain due to the absence of conclusive functional and genetic evidence.